The following is an entry in ClinVar:

ClinVar aggregate classification (germline): Likely benign. Review status: criteria provided, multiple submitters, no conflicts (2 of 4 stars). 4 submissions from 4 submitters: Likely benign (4). Last evaluated 2025-03-07.

Conditions:
Cardiovascular phenotype. Identifiers: MedGen CN230736.
Arrhythmogenic right ventricular dysplasia 10. Also called: Arrhythmogenic Right Ventricular Dysplasia/Cardiomyopathy10; ARRHYTHMOGENIC RIGHT VENTRICULAR DYSPLASIA, FAMILIAL, 10; Arrhythmogenic right ventricular dysplasia/cardiomyopathy, type 10. Identifiers: MedGen C1857777, MONDO:0012434, OMIM 610193.
Cardiomyopathy (CMYO). Also called: Cardiomyopathies. Identifiers: Orphanet 167848, MedGen C0878544, MONDO:0004994, HP:0001638. Inheritance: Various modes of inheritance.
Arrhythmogenic right ventricular cardiomyopathy (ARVD). Also called: Cardiomyopathy, ARVC; Arrhythmogenic right ventricular dysplasia; Arrhythmogenic cardiomyopathy; Arrhythmogenic Right Ventricular Cardiomyopathy (ARVC). Identifiers: Orphanet 247, MedGen C0349788, MeSH D019571, MONDO:0016587. Disease mechanism: loss of function. Inheritance: Various modes of inheritance.

Allele frequency attached by ClinVar (database versions not stated): gnomAD exomes below 0.00001; TOPMed below 0.00001; gnomAD 0.00001.
gnomAD v4.1: 4 of 1,262,230 alleles (0.00032%); highest among the groups gnomAD compares: Non-Finnish European, 0.0003%; no homozygotes.

Submissions (4):

Labcorp Genetics (formerly Invitae), Labcorp
Classification: Likely benign for Arrhythmogenic right ventricular dysplasia 10. Last evaluated: 2025-03-07. Review status: criteria provided, single submitter. Criteria: Invitae Variant Classification Sherloc (09022015). Collection method: clinical testing. Allele origin: germline.

All of Us Research Program, National Institutes of Health
Classification: Likely benign for Arrhythmogenic right ventricular cardiomyopathy. Last evaluated: 2023-08-15. Review status: criteria provided, single submitter. Criteria: ACMG Guidelines, 2015. Collection method: clinical testing. Allele origin: germline. Inheritance: Autosomal dominant inheritance. Observed: 1 variant allele, 1 heterozygote.
Comment: This study involves interpretation of variants in research participants for the purpose of population health screening. Participant phenotype was not available at the time of variant classification. Additional details can be found in publication PMID: 35346344, PMCID: PMC8962531

Color Diagnostics, LLC DBA Color Health
Classification: Likely benign for Cardiomyopathy. Last evaluated: 2023-07-20. Review status: criteria provided, single submitter. Criteria: ACMG Guidelines, 2015. Collection method: clinical testing. Allele origin: germline.

Ambry Genetics
Classification: Likely benign for Cardiovascular phenotype. Last evaluated: 2020-10-25. Review status: criteria provided, single submitter. Criteria: Ambry Variant Classification Scheme 2023. Collection method: clinical testing. Allele origin: germline.

NM_001943.5(DSG2):c.12C>T (p.Ser4=)

Genes: DSG2 (desmoglein 2; plus strand), LOC130062340 (ATAC-STARR-seq lymphoblastoid silent region 9384; plus strand). Cytogenetic location: 18q12.1.
Variant type: single nucleotide variant.
Coding change: c.12C>T on transcript NM_001943.5 (MANE Select); coding-DNA position 12, C replaced by T.
Protein change: p.Ser4=; no amino-acid change (serine 4 retained).
Molecular consequence: synonymous variant.
Genome position (GRCh38, 1-based): chr18:31,498,263, C>T. VCF-style: chr18-31498263-C-T. GRCh37 (hg19) VCF-style: chr18-29078226-C-T.
Identifiers: ClinVar variation 1769349 (VCV001769349.7), dbSNP rs1163107031, ClinGen allele CA503595714.